The following is an entry in ClinVar:

ClinVar aggregate classification (germline): Pathogenic (1 of 4 stars; one submission).

Submission:

Labcorp Genetics (formerly Invitae), Labcorp
Classification: Pathogenic. Last evaluated: 2022-06-29. Review status: criteria provided, single submitter. Criteria: Invitae Variant Classification Sherloc (09022015). Collection method: clinical testing. Allele origin: germline.
Comment: This variant is not present in population databases (gnomAD no frequency). This sequence change affects a donor splice site in intron 2 of the RBP4 gene. It is expected to disrupt RNA splicing. Variants that disrupt the donor or acceptor splice site typically lead to a loss of protein function (PMID: 16199547), and loss-of-function variants in RBP4 are known to be pathogenic (PMID: 23189188, 26974396, 28041643). Disruption of this splice site has been observed in individual(s) with autosomal recessive RBP4-related retinal dystrophy (PMID: 23189188). It has also been observed to segregate with disease in related individuals. Algorithms developed to predict the effect of sequence changes on RNA splicing suggest that this variant may disrupt the consensus splice site. For these reasons, this variant has been classified as Pathogenic.

Literature cited by the submitters: PubMed 16199547; PubMed 23189188; PubMed 26974396; PubMed 28041643.

NM_006744.4(RBP4):c.111+1G>C

Gene: RBP4 (retinol binding protein 4; minus strand). Cytogenetic location: 10q23.33.
Variant type: single nucleotide variant.
Coding change: c.111+1G>C on transcript NM_006744.4 (MANE Select); the canonical splice donor site of the intron after coding-DNA position 111, G replaced by C.
Molecular consequence: splice donor variant.
Genome position (GRCh38, 1-based): chr10:93,600,917, C>G on the plus strand (G>C on the coding strand, the complement: RBP4 is on the minus strand). VCF-style: chr10-93600917-C-G. GRCh37 (hg19) VCF-style: chr10-95360674-C-G.
Other names: c.105+1G>C (NM_001323518.2); c.111+1G>C (NM_001323517.1).
Identifiers: ClinVar variation 1920770 (VCV001920770.5), dbSNP rs112811136, ClinGen allele CA211558372.